The following is an entry in ClinVar:

NM_152468.5(TMC8):c.1313C>T (p.Thr438Ile)

Gene: TMC8 (transmembrane channel like 8; plus strand). Cytogenetic location: 17q25.3.
Variant type: single nucleotide variant.
Coding change: c.1313C>T on transcript NM_152468.5 (MANE Select); coding-DNA position 1313, C replaced by T.
Protein change: p.Thr438Ile; replaces threonine 438 with isoleucine.
Molecular consequence: missense variant.
Genome position (GRCh38, 1-based): chr17:78,137,778, C>T. VCF-style: chr17-78137778-C-T. GRCh37 (hg19) VCF-style: chr17-76133859-C-T.
Other names: short protein forms T438I.
Identifiers: ClinVar variation 1355038 (VCV001355038.8), dbSNP rs2145705977, ClinGen allele CA401249544.

ClinVar aggregate classification (germline): Uncertain significance (1 of 4 stars; one submission).

Conditions:
Epidermodysplasia verruciformis. Identifiers: Orphanet 302, MedGen C0014522, MONDO:0009176.

Allele frequency attached by ClinVar (database versions not stated): gnomAD exomes below 0.00001.
gnomAD v4.1: 3 of 1,613,654 alleles (0.00019%); highest among the groups gnomAD compares: Non-Finnish European, 0.00017%; no homozygotes.

Submission:

Labcorp Genetics (formerly Invitae), Labcorp
Classification: Uncertain significance for Epidermodysplasia verruciformis. Last evaluated: 2020-12-09. Review status: criteria provided, single submitter. Criteria: Invitae Variant Classification Sherloc (09022015). Collection method: clinical testing. Allele origin: germline.
Comment: This sequence change replaces threonine with isoleucine at codon 438 of the TMC8 protein (p.Thr438Ile). The threonine residue is moderately conserved and there is a moderate physicochemical difference between threonine and isoleucine. This variant is not present in population databases (ExAC no frequency). This variant has not been reported in the literature in individuals with TMC8-related conditions. Algorithms developed to predict the effect of missense changes on protein structure and function are either unavailable or do not agree on the potential impact of this missense change (SIFT: "Deleterious"; PolyPhen-2: "Possibly Damaging"; Align-GVGD: "Class C0"). In summary, the available evidence is currently insufficient to determine the role of this variant in disease. Therefore, it has been classified as a Variant of Uncertain Significance.